The following is an entry in ClinVar:

NM_004994.3(MMP9):c.1330+56T>G

Gene: MMP9 (matrix metallopeptidase 9; plus strand). Cytogenetic location: 20q13.12.
Variant type: single nucleotide variant.
Coding change: c.1330+56T>G on transcript NM_004994.3 (MANE Select); 56 bases into the intron after coding-DNA position 1330, T replaced by G.
Molecular consequence: intron variant.
Genome position (GRCh38, 1-based): chr20:46,012,638, T>G. VCF-style: chr20-46012638-T-G. GRCh37 (hg19) VCF-style: chr20-44641277-T-G.
Identifiers: ClinVar variation 1707393 (VCV001707393.2), dbSNP rs28763887, ClinGen allele CA315635959.

ClinVar aggregate classification (germline): Likely benign (1 of 4 stars; one submission).

Allele frequency attached by ClinVar (database versions not stated): gnomAD 0.00467; 1000 Genomes Project 0.00479; 1000 Genomes Project 30x 0.00531; TOPMed 0.00572.
gnomAD v4.1: 1,304 of 1,467,976 alleles (0.089%); highest among the groups gnomAD compares: African/African-American, 1.6%; 13 homozygotes.

Submission:

GeneDx
Classification: Likely benign. Last evaluated: 2021-05-24. Review status: criteria provided, single submitter. Criteria: GeneDx Variant Classification Process June 2021. Collection method: clinical testing. Allele origin: germline. Affected: yes.
Comment: See Variant Classification Assertion Criteria.